The following is an entry in ClinVar:

NM_001035.3(RYR2):c.37T>C (p.Phe13Leu)

Gene: RYR2 (ryanodine receptor 2; plus strand). Cytogenetic location: 1q43.
Variant type: single nucleotide variant.
Coding change: c.37T>C on transcript NM_001035.3 (MANE Select); coding-DNA position 37, T replaced by C.
Protein change: p.Phe13Leu; replaces phenylalanine 13 with leucine.
Molecular consequence: missense variant.
Genome position (GRCh38, 1-based): chr1:237,042,558, T>C. VCF-style: chr1-237042558-T-C. GRCh37 (hg19) VCF-style: chr1-237205858-T-C.
Other names: p.Phe13Leu; c.37T>C, p.Phe13Leu (LRG_402t1); short protein forms F13L.
Identifiers: ClinVar variation 201289 (VCV000201289.17), dbSNP rs794728761, ClinGen allele CA009352.

ClinVar aggregate classification (germline): Conflicting classifications of pathogenicity. Review status: criteria provided, conflicting classifications (1 of 4 stars). 4 submissions from 4 submitters: Pathogenic (2); Likely pathogenic (1); Uncertain significance (1). Last evaluated 2026-04-17.

Conditions:
Cardiovascular phenotype. Identifiers: MedGen CN230736.
Catecholaminergic polymorphic ventricular tachycardia (CVPT). Also called: Catecholamine-induced polymorphic ventricular tachycardia. Identifiers: Orphanet 3286, MedGen C5574922, MONDO:0017990.
Catecholaminergic polymorphic ventricular tachycardia 1. Also called: RYR2-Related Catecholaminergic Polymorphic Ventricular Tachycardia; VENTRICULAR TACHYCARDIA, STRESS-INDUCED POLYMORPHIC 1; VENTRICULAR TACHYCARDIA, CATECHOLAMINERGIC POLYMORPHIC, 1, WITH OR WITHOUT ATRIAL DYSFUNCTION AND/OR DILATED CARDIOMYOPATHY. Identifiers: Orphanet 3286, MedGen C1631597, MONDO:0011484, OMIM 604772.

Submissions (4):

Ambry Genetics
Classification: Uncertain significance for Cardiovascular phenotype. Last evaluated: 2026-04-17. Review status: criteria provided, single submitter. Criteria: Ambry Variant Classification Scheme 2023. Collection method: clinical testing. Allele origin: germline.
Comment: The p.F13L variant (also known as c.37T>C), located in coding exon 1 of the RYR2 gene, results from a T to C substitution at nucleotide position 37. The phenylalanine at codon 13 is replaced by leucine, an amino acid with highly similar properties. This amino acid position is well conserved in available vertebrate species. In addition, the in silico prediction for this alteration is inconclusive. Based on the available evidence, the clinical significance of this variant remains unclear.

Labcorp Genetics (formerly Invitae), Labcorp
Classification: Pathogenic for Catecholaminergic polymorphic ventricular tachycardia 1. Last evaluated: 2025-04-11. Review status: criteria provided, single submitter. Criteria: Invitae Variant Classification Sherloc (09022015). Collection method: clinical testing. Allele origin: germline.
Comment: This sequence change replaces phenylalanine, which is neutral and non-polar, with leucine, which is neutral and non-polar, at codon 13 of the RYR2 protein (p.Phe13Leu). This variant is not present in population databases (gnomAD no frequency). This missense change has been observed in individuals with autosomal dominant RYR2-related conditions (PMID: 31112425; internal data). It has also been observed to segregate with disease in related individuals. ClinVar contains an entry for this variant (Variation ID: 201289). Invitae Evidence Modeling of protein sequence and biophysical properties (such as structural, functional, and spatial information, amino acid conservation, physicochemical variation, residue mobility, and thermodynamic stability) indicates that this missense variant is expected to disrupt RYR2 protein function with a positive predictive value of 95%. For these reasons, this variant has been classified as Pathogenic.

Mayo Clinic Laboratories, Mayo Clinic
Classification: Pathogenic. Last evaluated: 2024-03-06. Review status: criteria provided, single submitter. Criteria: ACMG Guidelines, 2015. Collection method: clinical testing. Allele origin: germline. Observed: 1 variant allele.
Comment: PP1_strong, PP2, PM2, PS3, PS4_moderate

Women's Health and Genetics/Laboratory Corporation of America, LabCorp
Classification: Likely pathogenic for Catecholaminergic polymorphic ventricular tachycardia. Last evaluated: 2020-02-17. Review status: criteria provided, single submitter. Criteria: LabCorp Variant Classification Summary - May 2015. Collection method: clinical testing. Allele origin: germline.
Comment: Variant summary: RYR2 c.37T>C (p.Phe13Leu) results in a non-conservative amino acid change located in the Inositol 1,4,5-trisphosphate/ryanodine receptor domain (IPR014821) of the encoded protein sequence. Three of five in-silico tools predict a damaging effect of the variant on protein function. The variant was absent in 39990 control chromosomes (gnomAD). c.37T>C has been reported in the literature in five individuals affected with Catecholaminergic Polymorphic Ventricular Tachycardia from one family, and authors classified the variant as likely pathogenic based on phenotype-enhanced ACMG variant classification framework (Giudicessi_2019). To our knowledge, no experimental evidence demonstrating an impact on protein function has been reported. One ClinVar submitter (evaluation after 2014) cites the variant as uncertain significance. Based on the evidence outlined above, the variant was classified as likely pathogenic.

Literature cited by the submitters: PubMed 31112425 (cited by 3 submitters); PubMed 32152366 (cited by Mayo Clinic Laboratories, Mayo Clinic); PubMed 35931078 (cited by Mayo Clinic Laboratories, Mayo Clinic); PubMed 30197081 (cited by Women's Health and Genetics/Laboratory Corporation of America, LabCorp).